The following is an entry in ClinVar:

NM_025000.4(DCAF17):c.459A>G (p.Arg153=)

Gene: DCAF17 (DDB1 and CUL4 associated factor 17; plus strand). Cytogenetic location: 2q31.1.
Variant type: single nucleotide variant.
Coding change: c.459A>G on transcript NM_025000.4 (MANE Select); coding-DNA position 459, A replaced by G.
Protein change: p.Arg153=; no amino-acid change (arginine 153 retained).
Molecular consequence: synonymous variant. On other transcripts: non-coding transcript variant (1).
Genome position (GRCh38, 1-based): chr2:171,449,879, A>G. VCF-style: chr2-171449879-A-G. GRCh37 (hg19) VCF-style: chr2-172306389-A-G.
Other names: c.459A>G, p.Arg153= (NM_001164821.2).
Identifiers: ClinVar variation 2498845 (VCV002498845.30), dbSNP rs1414349657, ClinGen allele CA429769170.

ClinVar aggregate classification (germline): Conflicting classifications of pathogenicity. Review status: criteria provided, conflicting classifications (1 of 4 stars). 2 submissions from 2 submitters: Uncertain significance (1); Likely benign (1). Last evaluated 2024-04-14.

Conditions:
Woodhouse-Sakati syndrome. Also called: Hypogonadism, Alopecia, Diabetes Mellitus, Mental Retardation, and Extrapyramidal Syndrome; Hypogonadism, diabetes mellitus, alopecia, mental retardation and electrocardiographic abnormalities; EXTRAPYRAMIDAL DISORDER, PROGRESSIVE, WITH PRIMARY HYPOGONADISM, MENTAL RETARDATION, AND ALOPECIA. Identifiers: Orphanet 3464, MedGen C0342286, MONDO:0009419, OMIM 241080.

Allele frequency attached by ClinVar (database versions not stated): gnomAD 0.00001; gnomAD exomes 0.00001; TOPMed 0.00001.
gnomAD v4.1: 13 of 1,612,528 alleles (0.00081%); highest among the groups gnomAD compares: Non-Finnish European, 0.001%; no homozygotes.

Submissions (2):

Labcorp Genetics (formerly Invitae), Labcorp
Classification: Uncertain significance for Woodhouse-Sakati syndrome. Last evaluated: 2024-04-14. Review status: criteria provided, single submitter. Criteria: Invitae Variant Classification Sherloc (09022015). Collection method: clinical testing. Allele origin: germline.
Comment: This sequence change affects codon 153 of the DCAF17 mRNA. It is a 'silent' change, meaning that it does not change the encoded amino acid sequence of the DCAF17 protein. It affects a nucleotide within the consensus splice site. This variant is not present in population databases (gnomAD no frequency). This variant has not been reported in the literature in individuals affected with DCAF17-related conditions. ClinVar contains an entry for this variant (Variation ID: 2498845). Algorithms developed to predict the effect of sequence changes on RNA splicing suggest that this variant is not likely to affect RNA splicing. In summary, the available evidence is currently insufficient to determine the role of this variant in disease. Therefore, it has been classified as a Variant of Uncertain Significance.

CeGaT Center for Human Genetics Tuebingen
Classification: Likely benign. Last evaluated: 2023-03-01. Review status: criteria provided, single submitter. Criteria: CeGaT Center For Human Genetics Tuebingen Variant Classification Criteria Version 2. Collection method: clinical testing. Allele origin: germline. Affected: yes. Observed: 1 variant allele.
Comment: DCAF17: BP4, BP7